The following is an entry in ClinVar:

NM_178857.6(RP1L1):c.133C>T (p.Arg45Trp)

Gene: RP1L1 (RP1 like 1). Cytogenetic location: 8p23.1.
Variant type: single nucleotide variant.
Coding change: c.133C>T on transcript NM_178857.6 (MANE Select); coding-DNA position 133, C replaced by T.
Protein change: p.Arg45Trp; replaces arginine 45 with tryptophan.
Molecular consequence: missense variant.
Genome position (GRCh38, 1-based): chr8:10,623,069, G>A on the plus strand (C>T on the coding strand, the complement: RP1L1 is on the minus strand). VCF-style: chr8-10623069-G-A. GRCh37 (hg19) VCF-style: chr8-10480579-G-A.
Other names: short protein forms R45W.
Identifiers: ClinVar variation 2193 (VCV000002193.86), dbSNP rs267607017, ClinGen allele CA115397.

ClinVar aggregate classification (germline): Pathogenic/Likely pathogenic. Review status: criteria provided, multiple submitters, no conflicts (2 of 4 stars). 23 submissions from 22 submitters: Pathogenic (11); Likely pathogenic (7). 5 of the submissions do not count toward it. Last evaluated 2026-07-30.

Conditions:
RP1L1-related disorder. Also called: RP1L1-related condition.
Retinitis pigmentosa 88. Identifiers: MedGen C5394208, MONDO:0032940, OMIM 618826.
Inborn genetic diseases. Identifiers: MedGen C0950123, MeSH D030342.
Retinal dystrophy. Also called: Inherited retinal dystrophy. Identifiers: Orphanet 71862, MedGen C0854723, MeSH D058499, MONDO:0019118, HP:0000556.
Optic atrophy. Identifiers: MedGen C0029124, MONDO:0003608, HP:0000648.
Occult macular dystrophy (OCMD). Also called: OMD; OCCULT MACULAR DYSTROPHY, SUSCEPTIBILITY TO. Identifiers: Orphanet 247834, MedGen C3150833, MONDO:0013316, OMIM 613587, HP:0030636.

Allele frequency attached by ClinVar (database versions not stated): gnomAD exomes 0.00003 and 0.00002; ExAC 0.00003; gnomAD 0.00001; TOPMed 0.00003; ESP Exome Variant Server 0.00008.
gnomAD v4.1: 40 of 1,613,964 alleles (0.0025%); highest among the groups gnomAD compares: East Asian, 0.0089%; no homozygotes.

Submissions 1 to 13 of 23:

Ambry Genetics
Classification: Pathogenic for Inborn genetic diseases. Last evaluated: 2026-07-30. Review status: criteria provided, single submitter. Criteria: Ambry Variant Classification Scheme 2023. Collection method: clinical testing. Allele origin: germline.
Comment: The c.133C>T (p.R45W) alteration is located in exon 2 (coding exon 1) of the RP1L1 gene. This alteration results from a C to T substitution at nucleotide position 133, causing the arginine (R) at amino acid position 45 to be replaced by a tryptophan (W). Based on data from gnomAD, this allele has an overall frequency of 0.002% (5/246540) total alleles studied. The highest observed frequency was 0.006% (1/17948) of East Asian alleles. This variant was identified in one or more individuals with features consistent with RP1L1-related occult macular dystrophy, segregated with disease in at least one family, and was determined to be de novo in at least one individual (Akahori, 2010; Ahn, 2013; Davidson, 2013; Fujinami, 2016; Piermarocchi, 2016; Zobor, 2018; Wang, 2020). This amino acid position is not well conserved in available vertebrate species. The in silico prediction for this alteration is inconclusive. Based on the available evidence, this alteration is classified as pathogenic.

PreventionGenetics, part of Exact Sciences
Classification: Pathogenic for RP1L1-related condition. Last evaluated: 2026-04-02. Review status: criteria provided, single submitter. Criteria: ACMG Guidelines, 2015. Collection method: clinical testing. Allele origin: germline.
Comment: The RP1L1 c.133C>T variant is predicted to result in the amino acid substitution p.Arg45Trp. This variant has been reported in the heterozygous state without a second RP1L1 variant as well as with a second RP1L1 variant in large cohort studies of retinal disease (Areblom et al. 2023. PubMed ID: 37510321 Table S1, Weisschuh et al. 2024. PubMed ID: 37734845; Table S1, Lin et al. 2024. PubMed ID: 38219857). This variant has also been reported as segregating with disease in the heterozygous state in a large kindred with occult macular dystrophy (Akahori et al. 2010. PubMed ID: 20826268). A study of 42 individuals with occult macular dystrophy due to RP1L1 variants found the c.133C>T (p.Arg45Trp) variant in the heterozygous state in 39 individuals and in the homozygous state in 1 individual (Zobor et al. 2018. PubMed ID: 30025130). This same study found the variant in 9 unaffected relatives, with a reported penetrance of 82.7%. This variant is present in 0.0056% of alleles in individuals of East Asian descent in gnomAD, which is consistent with an incomplete penetrance for autosomal dominant disease. This variant is interpreted as pathogenic for autosomal recessive disease and pathogenic with incomplete penetrance for autosomal dominant disease.

Medical and Scientific Branch, Hong Kong Genome Institute
Classification: Pathogenic for Occult macular dystrophy. Last evaluated: 2025-12-11. Review status: criteria provided, single submitter. Criteria: ACMG Guidelines, 2015. Collection method: clinical testing. Allele origin: germline. Affected: yes.

Labcorp Genetics (formerly Invitae), Labcorp
Classification: Pathogenic. Last evaluated: 2025-11-13. Review status: criteria provided, single submitter. Criteria: Invitae Variant Classification Sherloc (09022015). Collection method: clinical testing. Allele origin: germline.
Comment: This sequence change replaces arginine, which is basic and polar, with tryptophan, which is neutral and slightly polar, at codon 45 of the RP1L1 protein (p.Arg45Trp). This variant is present in population databases (rs267607017, gnomAD 0.01%). This missense change has been observed in individuals with autosomal dominant occult macular dystrophy (PMID: 20826268, 30025130). It has also been observed to segregate with disease in related individuals. This variant is also known as c.362C>T. ClinVar contains an entry for this variant (Variation ID: 2193). Invitae Evidence Modeling of protein sequence and biophysical properties (such as structural, functional, and spatial information, amino acid conservation, physicochemical variation, residue mobility, and thermodynamic stability) indicates that this missense variant is not expected to disrupt RP1L1 protein function with a negative predictive value of 80%. For these reasons, this variant has been classified as Pathogenic.

GeneDx
Classification: Pathogenic. Last evaluated: 2025-09-29. Review status: criteria provided, single submitter. Criteria: GeneDx Variant Classification Process June 2021. Collection method: clinical testing. Allele origin: germline. Affected: yes.
Comment: Reduced penetrance has been reported for the p.(R45W) variant (PMID: 30025130); In silico analysis supports that this missense variant has a deleterious effect on protein structure/function; This variant is associated with the following publications: (PMID: 23281133, 34440443, 32458067, 25908487, 23619761, 26782618, 22466457, 29555955, 28890726, 27579568, 35464678, 32360662, 32176261, 22504327, 23745001, 27623337, 28195981, 31028767, 31193770, 32940107, 36284460, 33749171, 37734845, 37510321, 36460718, 36729443, 37217489, 32531858, 20826268, 30025130, 39107704, 38219857, 39062705, 35765812, 33608557)

Institute of Human Genetics Munich, TUM University Hospital
Classification: Pathogenic for Occult macular dystrophy. Last evaluated: 2025-07-28. Review status: criteria provided, single submitter. Criteria: Classification criteria August 2017. Collection method: clinical testing. Allele origin: germline. Inheritance: Autosomal dominant inheritance. Affected: yes. Observed: 2 variant alleles.

CeGaT Center for Human Genetics Tuebingen
Classification: Pathogenic. Last evaluated: 2025-07-01. Review status: criteria provided, single submitter. Criteria: CeGaT Center For Human Genetics Tuebingen Variant Classification Criteria Version 2. Collection method: clinical testing. Allele origin: germline. Affected: yes. Observed: 22 variant alleles.
Comment: RP1L1: PP1:Strong, PS4, PM2:Supporting, PS3:Supporting

Variantyx, Inc.
Classification: Likely pathogenic for Occult macular dystrophy. Last evaluated: 2025-06-30. Review status: criteria provided, single submitter. Criteria: Variantyx Assertion Criteria 2022. Collection method: clinical testing. Allele origin: germline. Inheritance: Autosomal recessive inheritance. Affected: yes.
Comment: This is a nonsynonymous variant in the RP1L1 gene (OMIM: 608581). Pathogenic variants in this gene have been associated with autosomal dominant occult macular dystrophy. This variant has been reported in multiple unrelated affected individuals (PMID: 20826268, 23619761, 25908487, 26782618, 28195981, 29555955, 30025130) (PS4_Moderate) and has been observed to segregate with disease in at least thirteen individuals from eleven families (PMID: 20826268, 25908487, 26782618, 30025130) (PP1). This variant has a 0.0089% maximum allele frequency in non-founder control populations (PM2). Computational algorithms produce conflicting evidence regarding the predicted functional impact of this variant (REVEL score: 0.526). Based on the current evidence, this variant is classified as likely pathogenic for autosomal dominant occult macular dystrophy.

SingHealth Duke-NUS Institute of Precision Medicine
Classification: Likely pathogenic for Occult macular dystrophy. Last evaluated: 2025-02-05. Review status: criteria provided, single submitter. Criteria: PRISM ACMG Classification Criteria. Collection method: clinical testing. Allele origin: germline. Affected: yes.
Comment: Homozygous allele count in gnomAD exomes or genomes are less than 0 (PM2). Prevalence in affected patients is greater compared to the general populace (PS4). Cosegregation with the disease phenotypes is observed in multiple families (PP1_str, PMID: 30025130)

3billion
Classification: Likely pathogenic for Occult macular dystrophy. Last evaluated: 2024-12-13. Review status: criteria provided, single submitter. Criteria: ACMG Guidelines, 2015. Collection method: clinical testing. Allele origin: germline. Affected: yes.
Comment: The variant is observed at an extremely low frequency in the gnomAD v4.1.0 dataset (total allele frequency: 0.002%). Predicted Consequence/Location: Missense variant. The majority of the known disease-causing variants of this gene are variants expected to result in premature termination of the protein. The same nucleotide change resulting in the same amino acid change has been previously reported as pathogenic/likely pathogenic with strong evidence (ClinVar ID: VCV000002193 /PMID: 20826268 /3billion dataset). Therefore, this variant is classified as Likely pathogenic according to the recommendation of ACMG/AMP guideline.

Blueprint Genetics
Classification: Pathogenic for RP1L1-related disorders. Last evaluated: 2023-11-07. Review status: criteria provided, single submitter. Criteria: ACMG Guidelines, 2015. Collection method: clinical testing. Allele origin: germline. Affected: yes. Observed: 5 variant alleles.

Institute of Human Genetics, Univ. Regensburg, Univ. Regensburg
Classification: Pathogenic for Optic atrophy. Last evaluated: 2022-01-01. Review status: criteria provided, single submitter. Criteria: ACMG Guidelines, 2015. Collection method: clinical testing. Allele origin: germline. Affected: yes.

Institute of Human Genetics, Univ. Regensburg, Univ. Regensburg
Classification: Pathogenic for Retinal dystrophy. Last evaluated: 2022-01-01. Review status: criteria provided, single submitter. Criteria: ACMG Guidelines, 2015. Collection method: clinical testing. Allele origin: germline. Affected: yes.